The following is an entry in ClinVar:

ClinVar aggregate classification (germline): Uncertain significance (1 of 4 stars; one submission).

Conditions:
Neuropathy, hereditary sensory, type 2C. Also called: KIF1A-Related HSAN2 (HSAN2C); Hereditary sensory and autonomic neuropathy type IIC. Identifiers: Orphanet 970, MedGen C3280168, MONDO:0013634, OMIM 614213.
Hereditary spastic paraplegia 30. Identifiers: Orphanet 101010, MedGen C5235139, MONDO:0012476.
Intellectual disability, autosomal dominant 9 (NESCAVS). Also called: NESCAV SYNDROME; KIF1A-Related Neurodevelopmental Disorder. Identifiers: Orphanet 662367, MedGen C5393830, MONDO:0013656, OMIM 614255.

Submission:

Labcorp Genetics (formerly Invitae), Labcorp
Classification: Uncertain significance for Hereditary spastic paraplegia 30; Neuropathy, hereditary sensory, type 2C; Intellectual disability, autosomal dominant 9. Last evaluated: 2023-04-27. Review status: criteria provided, single submitter. Criteria: Invitae Variant Classification Sherloc (09022015). Collection method: clinical testing. Allele origin: germline.
Comment: This sequence change replaces isoleucine, which is neutral and non-polar, with asparagine, which is neutral and polar, at codon 93 of the KIF1A protein (p.Ile93Asn). This variant is not present in population databases (gnomAD no frequency). This variant has not been reported in the literature in individuals affected with KIF1A-related conditions. Advanced modeling of protein sequence and biophysical properties (such as structural, functional, and spatial information, amino acid conservation, physicochemical variation, residue mobility, and thermodynamic stability) performed at Invitae indicates that this missense variant is expected to disrupt KIF1A protein function. In summary, the available evidence is currently insufficient to determine the role of this variant in disease. Therefore, it has been classified as a Variant of Uncertain Significance.

NM_001244008.2(KIF1A):c.278T>A (p.Ile93Asn)

Gene: KIF1A (kinesin family member 1A; minus strand). Cytogenetic location: 2q37.3.
Variant type: single nucleotide variant.
Coding change: c.278T>A on transcript NM_001244008.2 (MANE Select); coding-DNA position 278, T replaced by A.
Protein change: p.Ile93Asn; replaces isoleucine 93 with asparagine.
Molecular consequence: missense variant.
Genome position (GRCh38, 1-based): chr2:240,788,136, A>T on the plus strand (T>A on the coding strand, the complement: KIF1A is on the minus strand). VCF-style: chr2-240788136-A-T. GRCh37 (hg19) VCF-style: chr2-241727553-A-T.
Other names: c.278T>A, p.Ile93Asn (NM_001320705.2, NM_001330289.2, NM_001330290.2 and 21 more transcripts); short protein forms I93N.
Identifiers: ClinVar variation 2945014 (VCV002945014.3), dbSNP rs767502189, ClinGen allele CA351310404.
Genomic context (GRCh38, chr2:240,788,136, plus strand): 5'-TTCTCCTGCTTGCCCATCATGGTGTAGGACTTGCCGGCACCCGTCTGCCCATAGGCGAAG[A>T]TGCACACGTTGTATCCCTCAAAGGCATGCTGCAGCATCTCCTCGCCGATGTCCCGGTACA-3'
Protein context (NP_001230937.1, residues 83-103): QHAFEGYNVC[Ile93Asn]FAYGQTGAGK